The following is an entry in ClinVar:

NM_002691.4(POLD1):c.1073G>C (p.Arg358Pro)

Gene: POLD1 (DNA polymerase delta 1, catalytic subunit; plus strand). Cytogenetic location: 19q13.33.
Variant type: single nucleotide variant.
Coding change: c.1073G>C on transcript NM_002691.4 (MANE Select); coding-DNA position 1073, G replaced by C.
Protein change: p.Arg358Pro; replaces arginine 358 with proline.
Molecular consequence: missense variant. On other transcripts: non-coding transcript variant (1).
Genome position (GRCh38, 1-based): chr19:50,403,155, G>C. VCF-style: chr19-50403155-G-C. GRCh37 (hg19) VCF-style: chr19-50906412-G-C.
Other names: c.1073G>C, p.Arg358Pro (NM_001256849.1, NM_001308632.1); short protein forms R358P.
Identifiers: ClinVar variation 2563173 (VCV002563173.2), dbSNP rs878854518, ClinGen allele CA406978263.

ClinVar aggregate classification (germline): Uncertain significance (1 of 4 stars; one submission).

Conditions:
Hereditary cancer-predisposing syndrome. Also called: Neoplastic Syndromes, Hereditary; Hereditary Cancer Syndrome; Hereditary neoplastic syndrome; Tumor predisposition. Identifiers: Orphanet 140162, MedGen C0027672, MeSH D009386, MONDO:0015356.

Submission:

Ambry Genetics
Classification: Uncertain significance for Hereditary cancer-predisposing syndrome. Last evaluated: 2023-04-21. Review status: criteria provided, single submitter. Criteria: Ambry Variant Classification Scheme 2023. Collection method: clinical testing. Allele origin: germline.
Comment: The p.R358P variant (also known as c.1073G>C), located in coding exon 8 of the POLD1 gene, results from a G to C substitution at nucleotide position 1073. The arginine at codon 358 is replaced by proline, an amino acid with dissimilar properties. This amino acid position is conserved. In addition, this alteration is predicted to be tolerated by in silico analysis. Since supporting evidence is limited at this time, the clinical significance of this alteration remains unclear.